The following is an entry in ClinVar:

ClinVar aggregate classification (germline): Benign (3 of 4 stars; one submission).

Conditions:
Breast-ovarian cancer, familial, susceptibility to, 2 (BROVCA2). Also called: BRCA2 Hereditary Breast and Ovarian Cancer. Identifiers: Orphanet 145, MedGen C2675520, MONDO:0012933, OMIM 612555. Disease mechanism: loss of function.

Submission:

Evidence-based Network for the Interpretation of Germline Mutant Alleles (ENIGMA)
Classification: Benign for Breast-ovarian cancer, familial 2. Last evaluated: 2015-01-12. Review status: reviewed by expert panel. Criteria: ENIGMA BRCA1/2 Classification Criteria (2015). Collection method: curation. Allele origin: germline.
Comment: Class 1 not pathogenic based on frequency >1% in an outbred sampleset. Frequency 0.08 (Asian), 0.02 (African), 0.04 (European), derived from 1000 genomes (2012-04-30).

NM_000059.4(BRCA2):c.8332-1595_8332-1594insG

Gene: BRCA2 (BRCA2 DNA repair associated; plus strand). Cytogenetic location: 13q13.1.
Variant type: Insertion.
Coding change: c.8332-1595_8332-1594insG on transcript NM_000059.4 (MANE Select); 1595 bases into the intron before coding-DNA position 8332 through 1594 bases into the intron before coding-DNA position 8332, G inserted.
Molecular consequence: intron variant.
Genome position: GRCh38 VCF-style: chr13-32368807-T-TG. GRCh37 (hg19) VCF-style: chr13-32942944-T-TG.
Other names: IVS 18-1595insG.
Identifiers: ClinVar variation 209804 (VCV000209804.1), dbSNP rs199662630, ClinGen allele CA276772.